The following is an entry in ClinVar:

ClinVar aggregate classification (germline): Uncertain significance (1 of 4 stars; one submission).

gnomAD v4.1: 1 of 1,613,526 alleles (0.000062%); highest among the groups gnomAD compares: South Asian, 0.0011%; no homozygotes.

Submission:

Labcorp Genetics (formerly Invitae), Labcorp
Classification: Uncertain significance. Last evaluated: 2021-05-31. Review status: criteria provided, single submitter. Criteria: Invitae Variant Classification Sherloc (09022015). Collection method: clinical testing. Allele origin: germline.
Comment: In summary, the available evidence is currently insufficient to determine the role of this variant in disease. Therefore, it has been classified as a Variant of Uncertain Significance. Algorithms developed to predict the effect of missense changes on protein structure and function are either unavailable or do not agree on the potential impact of this missense change (SIFT: "Tolerated"; PolyPhen-2: "Possibly Damaging"; Align-GVGD: "Class C0"). This variant has not been reported in the literature in individuals with ADGRV1-related conditions. This variant is not present in population databases (ExAC no frequency). This sequence change replaces arginine with threonine at codon 211 of the ADGRV1 protein (p.Arg211Thr). The arginine residue is moderately conserved and there is a moderate physicochemical difference between arginine and threonine.

NM_032119.4(ADGRV1):c.632G>C (p.Arg211Thr)

Gene: ADGRV1 (adhesion G protein-coupled receptor V1; plus strand). Cytogenetic location: 5q14.3.
Variant type: single nucleotide variant.
Coding change: c.632G>C on transcript NM_032119.4 (MANE Select); coding-DNA position 632, G replaced by C.
Protein change: p.Arg211Thr; replaces arginine 211 with threonine.
Molecular consequence: missense variant. On other transcripts: non-coding transcript variant (1).
Genome position (GRCh38, 1-based): chr5:90,625,203, G>C. VCF-style: chr5-90625203-G-C. GRCh37 (hg19) VCF-style: chr5-89921020-G-C.
Other names: short protein forms R211T.
Identifiers: ClinVar variation 1488911 (VCV001488911.8), dbSNP rs2149369395, ClinGen allele CA360364544.